The following is an entry in ClinVar:

ClinVar aggregate classification (germline): Uncertain significance. Review status: criteria provided, multiple submitters, no conflicts (2 of 4 stars). 2 submissions from 2 submitters: Uncertain significance (2). Last evaluated 2023-03-22.

Allele frequency attached by ClinVar (database versions not stated): gnomAD 0.00002; gnomAD exomes 0.00003; TOPMed 0.00003; ExAC 0.00005; 1000 Genomes Project 30x 0.00016; 1000 Genomes Project 0.00020.
gnomAD v4.1: 9 of 1,605,984 alleles (0.00056%); highest among the groups gnomAD compares: East Asian, 0.016%; no homozygotes.

Submissions (2):

Ambry Genetics
Classification: Uncertain significance. Last evaluated: 2023-03-22. Review status: criteria provided, single submitter. Criteria: Ambry Variant Classification Scheme 2023. Collection method: clinical testing. Allele origin: germline.

Labcorp Genetics (formerly Invitae), Labcorp
Classification: Uncertain significance. Last evaluated: 2020-03-27. Review status: criteria provided, single submitter. Criteria: Invitae Variant Classification Sherloc (09022015). Collection method: clinical testing. Allele origin: germline.
Comment: In summary, the available evidence is currently insufficient to determine the role of this variant in disease. Therefore, it has been classified as a Variant of Uncertain Significance. Algorithms developed to predict the effect of missense changes on protein structure and function output the following: SIFT: "Deleterious"; PolyPhen-2: "Possibly Damaging"; Align-GVGD: "Class C65". The serine amino acid residue is found in multiple mammalian species, suggesting that this missense change does not adversely affect protein function. These predictions have not been confirmed by published functional studies and their clinical significance is uncertain. This variant has not been reported in the literature in individuals with ASRGL1-related conditions. This variant is present in population databases (rs574757273, ExAC 0.06%). This sequence change replaces alanine with serine at codon 12 of the ASRGL1 protein (p.Ala12Ser). The alanine residue is highly conserved and there is a moderate physicochemical difference between alanine and serine.

NM_001083926.2(ASRGL1):c.34G>T (p.Ala12Ser)

Gene: ASRGL1 (asparaginase and isoaspartyl peptidase 1; plus strand). Cytogenetic location: 11q12.3.
Variant type: single nucleotide variant.
Coding change: c.34G>T on transcript NM_001083926.2 (MANE Select); coding-DNA position 34, G replaced by T.
Protein change: p.Ala12Ser; replaces alanine 12 with serine.
Molecular consequence: missense variant.
Genome position (GRCh38, 1-based): chr11:62,338,011, G>T. VCF-style: chr11-62338011-G-T. GRCh37 (hg19) VCF-style: chr11-62105483-G-T.
Other names: c.34G>T, p.Ala12Ser (NM_025080.4); c.34G>T (NM_001083926.1); short protein forms A12S.
Identifiers: ClinVar variation 1063465 (VCV001063465.10), dbSNP rs574757273, ClinGen allele CA6043075.
Genomic context (GRCh38, chr11:62,338,011, plus strand): 5'-CCTTCCTGCTGCCTAGGATCCGCCGACATGAATCCCATCGTAGTGGTCCACGGCGGCGGA[G>T]CCGGTCCCATCTCCAAGGATCGGAAGGAGCGAGTGCACCAGGGCATGGTCAGAGCCGCCA-3'
Protein context (NP_001077395.1, residues 2-22): NPIVVVHGGG[Ala12Ser]GPISKDRKER